The following is an entry in ClinVar:

NM_001363.5(DKC1):c.*6G>A

Gene: DKC1 (dyskerin pseudouridine synthase 1; plus strand). Cytogenetic location: Xq28.
Variant type: single nucleotide variant.
Coding change: c.*6G>A on transcript NM_001363.5 (MANE Select); 6 bases downstream of the stop codon, G replaced by A.
Molecular consequence: 3 prime UTR variant. On other transcripts: non-coding transcript variant (3).
Genome position (GRCh38, 1-based): chrX:154,776,873, G>A. VCF-style: chrX-154776873-G-A. GRCh37 (hg19) VCF-style: chrX-154005148-G-A.
Other names: c.*6G>A (NM_001142463.3); c.*777G>A (NM_001288747.2).
Identifiers: ClinVar variation 166995 (VCV000166995.14), dbSNP rs1800533, ClinGen allele CA179972.

ClinVar aggregate classification (germline): Benign. Review status: criteria provided, multiple submitters, no conflicts (2 of 4 stars). 8 submissions from 8 submitters: Benign (8). Last evaluated 2024-11-28.

Conditions:
Dyskeratosis congenita, X-linked (DKCX). Also called: Zinsser-Cole-Engman Syndrome. Identifiers: MedGen C1148551, MONDO:0010584, OMIM 305000.

Allele frequency attached by ClinVar (database versions not stated): ESP Exome Variant Server 0.07076; TOPMed 0.08625; gnomAD exomes 0.10799 and 0.14655; 1000 Genomes Project 0.13828; 1000 Genomes Project 30x 0.14089; ExAC 0.17233.
gnomAD v4.1: 126,755 of 1,182,442 alleles (11%); highest among the groups gnomAD compares: South Asian, 36%; 5,806 homozygotes.

Submissions (8):

Blueprint Genetics
Classification: Benign. Last evaluated: 2024-11-28. Review status: criteria provided, single submitter. Criteria: ACMG Guidelines, 2015. Collection method: clinical testing. Allele origin: germline.

Unidad de Genómica Garrahan, Hospital de Pediatría Garrahan
Classification: Benign. Last evaluated: 2024-01-24. Review status: criteria provided, single submitter. Criteria: ACMG Guidelines, 2015. Collection method: clinical testing. Allele origin: germline. Affected: no. Observed: 26 variant alleles.
Comment: This variant is classified as Benign based on local population frequency. This variant was detected in 27% of patients studied by a panel of primary immunodeficiencies. Number of patients: 26. Only high quality variants are reported.

Genome-Nilou Lab
Classification: Benign for Dyskeratosis congenita, X-linked. Last evaluated: 2021-07-30. Review status: criteria provided, single submitter. Criteria: ACMG Guidelines, 2015. Collection method: clinical testing. Allele origin: germline. Affected: no.

Mayo Clinic Laboratories, Mayo Clinic
Classification: Benign. Last evaluated: 2016-09-21. Review status: criteria provided, single submitter. Criteria: ACMG Guidelines, 2015. Collection method: clinical testing. Allele origin: germline. Observed: 183 variant alleles.

Eurofins Ntd Llc (ga)
Classification: Benign. Last evaluated: 2015-04-28. Review status: criteria provided, single submitter. Criteria: EGL Classification Definitions 2015. Collection method: clinical testing. Allele origin: germline. Observed: 29 variant alleles, 2 heterozygotes, 27 hemizygotes.

GeneDx
Classification: Benign. Last evaluated: 2015-03-03. Review status: criteria provided, single submitter. Criteria: GeneDx Variant Classification Process June 2021. Collection method: clinical testing. Allele origin: germline. Affected: yes.

Breakthrough Genomics
Classification: Benign. Review status: criteria provided, single submitter. Criteria: ACMG Guidelines, 2015. Collection method: not provided. Allele origin: germline. Inheritance: X-linked inheritance. Affected: yes.

PreventionGenetics, part of Exact Sciences
Classification: Benign. Review status: criteria provided, single submitter. Criteria: ACMG Guidelines, 2015. Collection method: clinical testing. Allele origin: germline.